The following is an entry in ClinVar:

NM_206933.4(USH2A):c.5041A>G (p.Asn1681Asp)

Genes: USH2A (usherin; minus strand), USH2A-AS2 (USH2A antisense RNA 2; plus strand). Cytogenetic location: 1q41.
Variant type: single nucleotide variant.
Coding change: c.5041A>G on transcript NM_206933.4 (MANE Select); coding-DNA position 5041, A replaced by G.
Protein change: p.Asn1681Asp; replaces asparagine 1681 with aspartic acid.
Molecular consequence: missense variant.
Genome position (GRCh38, 1-based): chr1:216,084,824, T>C on the plus strand (A>G on the coding strand, the complement: USH2A is on the minus strand). VCF-style: chr1-216084824-T-C. GRCh37 (hg19) VCF-style: chr1-216258166-T-C.
Other names: c.5041A>G (NM_206933.2); short protein forms N1681D.
Identifiers: ClinVar variation 1025059 (VCV001025059.11), dbSNP rs746010533, ClinGen allele CA37446071.

ClinVar aggregate classification (germline): Uncertain significance. Review status: criteria provided, multiple submitters, no conflicts (2 of 4 stars). 6 submissions from 5 submitters: Uncertain significance (5). 1 of the submissions does not count toward it. Last evaluated 2026-02-10.

Conditions:
Inborn genetic diseases. Identifiers: MedGen C0950123, MeSH D030342.
Usher syndrome type 2A. Also called: RETINAL DISEASE IN USHER SYNDROME TYPE IIA, MODIFIER OF; USHER SYNDROME, TYPE IIA. Identifiers: Orphanet 231178, Orphanet 886, MedGen C1848634, MONDO:0010169, OMIM 276901.
Retinitis pigmentosa 39 (RP39). Identifiers: Orphanet 791, MedGen C3151138, MONDO:0013436, OMIM 613809.

Allele frequency attached by ClinVar (database versions not stated): gnomAD 0.00001; TOPMed 0.00002.
gnomAD v4.1: 13 of 1,613,450 alleles (0.00081%); highest among the groups gnomAD compares: Non-Finnish European, 0.0011%; no homozygotes.

Submissions (6):

GeneDx
Classification: Uncertain significance. Last evaluated: 2026-02-10. Review status: criteria provided, single submitter. Criteria: GeneDx Variant Classification Process June 2021. Collection method: clinical testing. Allele origin: germline.
Comment: Not observed at significant frequency in large population cohorts (gnomAD); In silico analysis suggests that this missense variant does not alter protein structure/function; Has not been previously published as pathogenic or benign to our knowledge

Labcorp Genetics (formerly Invitae), Labcorp
Classification: Uncertain significance. Last evaluated: 2025-09-21. Review status: criteria provided, single submitter. Criteria: Invitae Variant Classification Sherloc (09022015). Collection method: clinical testing. Allele origin: germline.
Comment: This sequence change replaces asparagine, which is neutral and polar, with aspartic acid, which is acidic and polar, at codon 1681 of the USH2A protein (p.Asn1681Asp). This variant is present in population databases (no rsID available, gnomAD 0.007%). This variant has not been reported in the literature in individuals affected with USH2A-related conditions. ClinVar contains an entry for this variant (Variation ID: 1025059). Invitae Evidence Modeling of protein sequence and biophysical properties (such as structural, functional, and spatial information, amino acid conservation, physicochemical variation, residue mobility, and thermodynamic stability) indicates that this missense variant is not expected to disrupt USH2A protein function with a negative predictive value of 95%. In summary, the available evidence is currently insufficient to determine the role of this variant in disease. Therefore, it has been classified as a Variant of Uncertain Significance.

Genome-Nilou Lab
Classification: Uncertain significance for Retinitis pigmentosa 39. Last evaluated: 2023-11-04. Review status: criteria provided, single submitter. Criteria: ACMG Guidelines, 2015. Collection method: clinical testing. Allele origin: germline. Affected: no.

Genome-Nilou Lab
Classification: Uncertain significance for Usher syndrome type 2A. Last evaluated: 2023-11-04. Review status: criteria provided, single submitter. Criteria: ACMG Guidelines, 2015. Collection method: clinical testing. Allele origin: germline. Affected: no.

Ambry Genetics
Classification: Uncertain significance for Inborn genetic diseases. Last evaluated: 2023-06-16. Review status: criteria provided, single submitter. Criteria: Ambry Variant Classification Scheme 2023. Collection method: clinical testing. Allele origin: germline.

Natera, Inc.
Classification: Uncertain significance for Usher syndrome type 2A. Last evaluated: 2020-09-11. Review status: no assertion criteria provided. Collection method: clinical testing. Allele origin: germline. Not counted in ClinVar's aggregate classification.